The following is an entry in ClinVar:

ClinVar aggregate classification (germline): Conflicting classifications of pathogenicity. Review status: criteria provided, conflicting classifications (1 of 4 stars). 3 submissions from 3 submitters: Uncertain significance (1); Likely benign (1). 1 of the submissions does not count toward it. Last evaluated 2024-01-16.

Conditions:
ABCB11-related disorder. Also called: ABCB11-related condition.

Allele frequency attached by ClinVar (database versions not stated): TOPMed below 0.00001; ExAC 0.00001; gnomAD exomes 0.00001 and 0.00003.
gnomAD v4.1: 10 of 1,607,218 alleles (0.00062%); highest among the groups gnomAD compares: Admixed American, 0.014%; no homozygotes.

Submissions (3):

Labcorp Genetics (formerly Invitae), Labcorp
Classification: Likely benign. Last evaluated: 2024-01-16. Review status: criteria provided, single submitter. Criteria: Invitae Variant Classification Sherloc (09022015). Collection method: clinical testing. Allele origin: germline.

Eurofins Ntd Llc (ga)
Classification: Uncertain significance. Last evaluated: 2018-07-03. Review status: criteria provided, single submitter. Criteria: EGL ClinVar v180209 classification definitions. Collection method: clinical testing. Allele origin: germline. Observed: 1 variant allele, 1 heterozygote.

PreventionGenetics, part of Exact Sciences
Classification: Likely benign for ABCB11-related condition. Last evaluated: 2023-11-29. Review status: no assertion criteria provided. Collection method: clinical testing. Allele origin: germline. Not counted in ClinVar's aggregate classification.
Comment: This variant is classified as likely benign based on ACMG/AMP sequence variant interpretation guidelines (Richards et al. 2015 PMID: 25741868, with internal and published modifications).

NM_003742.4(ABCB11):c.3246T>C (p.Asp1082=)

Gene: ABCB11 (ATP binding cassette subfamily B member 11; minus strand). Cytogenetic location: 2q31.1.
Variant type: single nucleotide variant.
Coding change: c.3246T>C on transcript NM_003742.4 (MANE Select); coding-DNA position 3246, T replaced by C.
Protein change: p.Asp1082=; no amino-acid change (aspartic acid 1082 retained).
Molecular consequence: synonymous variant.
Genome position (GRCh38, 1-based): chr2:168,930,830, A>G on the plus strand (T>C on the coding strand, the complement: ABCB11 is on the minus strand). VCF-style: chr2-168930830-A-G. GRCh37 (hg19) VCF-style: chr2-169787340-A-G.
Other names: c.3246T>C, p.Asp1082= (LRG_1199t1).
Identifiers: ClinVar variation 597844 (VCV000597844.18), dbSNP rs750944055, ClinGen allele CA1951063.